The following is an entry in ClinVar:

ClinVar aggregate classification (germline): Likely benign (1 of 4 stars; one submission).

Conditions:
Ehlers-Danlos syndrome, type 4 (EDSVASC). Also called: Ehlers-Danlos Syndrome Type IV; Ehlers-Danlos syndrome vascular type; Ehlers Danlos syndrome, ecchymotic type; Ehlers Danlos syndrome, arterial type; Ehlers Danlos syndrome, Sack-Barabas type. Identifiers: Orphanet 286, MedGen C0268338, MONDO:0017314, OMIM 130050.

Allele frequency attached by ClinVar (database versions not stated): ExAC 0.00001.
gnomAD v4.1: 1 of 1,613,662 alleles (0.000062%); highest among the groups gnomAD compares: South Asian, 0.0011%; no homozygotes.

Submission:

All of Us Research Program, National Institutes of Health
Classification: Likely benign for Ehlers-Danlos syndrome, type 4. Last evaluated: 2023-12-13. Review status: criteria provided, single submitter. Criteria: ACMG Guidelines, 2015. Collection method: clinical testing. Allele origin: germline. Inheritance: Autosomal dominant inheritance. Observed: 1 variant allele, 1 heterozygote.
Comment: This study involves interpretation of variants in research participants for the purpose of population health screening. Participant phenotype was not available at the time of variant classification. Additional details can be found in publication PMID: 35346344, PMCID: PMC8962531

NM_000090.4(COL3A1):c.1150-5C>T

Gene: COL3A1 (collagen type III alpha 1 chain; plus strand). Cytogenetic location: 2q32.2.
Variant type: single nucleotide variant.
Coding change: c.1150-5C>T on transcript NM_000090.4 (MANE Select); 5 bases into the intron before coding-DNA position 1150, C replaced by T.
Molecular consequence: intron variant.
Genome position (GRCh38, 1-based): chr2:188,994,033, C>T. VCF-style: chr2-188994033-C-T. GRCh37 (hg19) VCF-style: chr2-189858759-C-T.
Identifiers: ClinVar variation 3074830 (VCV003074830.1), dbSNP rs748293655, ClinGen allele CA073873.